The following is an entry in ClinVar:

ClinVar aggregate classification (germline): Uncertain significance (1 of 4 stars; one submission).

Conditions:
Hereditary cancer-predisposing syndrome. Also called: Neoplastic Syndromes, Hereditary; Tumor predisposition; Hereditary Cancer Syndrome; Hereditary neoplastic syndrome. Identifiers: Orphanet 140162, MedGen C0027672, MeSH D009386, MONDO:0015356.

Submission:

Ambry Genetics
Classification: Uncertain significance for Hereditary cancer-predisposing syndrome. Last evaluated: 2022-08-18. Review status: criteria provided, single submitter. Criteria: Ambry Variant Classification Scheme 2023. Collection method: clinical testing. Allele origin: germline.
Comment: The c.2906-1G>C intronic variant results from a G to C substitution one nucleotide upstream from coding exon 19 of the BRIP1 gene. Alterations that disrupt the canonical splice site are expected to result in aberrant splicing. In silico splice site analysis predicts that this alteration will weaken the native splice acceptor site and will result in the creation or strengthening of a novel splice acceptor site; however, direct evidence is insufficient at this time (Ambry internal data). The resulting transcript is predicted to be in-frame and is not expected to trigger nonsense-mediated mRNAdecay; however, direct evidence is unavailable. The exact functional effect of the altered amino acid sequence is unknown. This nucleotide position is highly conserved in available vertebrate species. Since supporting evidence is limited at this time, the clinical significance of this alteration remains unclear.

NM_032043.3(BRIP1):c.2906-1G>C

Gene: BRIP1 (BRCA1 interacting DNA helicase 1; minus strand). Cytogenetic location: 17q23.2.
Variant type: single nucleotide variant.
Coding change: c.2906-1G>C on transcript NM_032043.3 (MANE Select); the canonical splice acceptor site of the intron before coding-DNA position 2906, G replaced by C.
Molecular consequence: splice acceptor variant.
Genome position (GRCh38, 1-based): chr17:61,684,141, C>G on the plus strand (G>C on the coding strand, the complement: BRIP1 is on the minus strand). VCF-style: chr17-61684141-C-G. GRCh37 (hg19) VCF-style: chr17-59761502-C-G.
Identifiers: ClinVar variation 1797506 (VCV001797506.2), dbSNP rs773639563, ClinGen allele CA400480776.